The following is an entry in ClinVar:

ClinVar aggregate classification (germline): Uncertain significance (1 of 4 stars; one submission).

Conditions:
Hereditary sensory and autonomic neuropathy type 1 (HSAN1). Also called: HSAN 1; HSN Type I; Hereditary Sensory Neuropathy Type I. Identifiers: Orphanet 36386, MedGen C0020071, MONDO:0018213.

Submission:

Labcorp Genetics (formerly Invitae), Labcorp
Classification: Uncertain significance for Hereditary sensory and autonomic neuropathy type 1. Last evaluated: 2024-01-28. Review status: criteria provided, single submitter. Criteria: Invitae Variant Classification Sherloc (09022015). Collection method: clinical testing. Allele origin: germline.
Comment: This sequence change replaces glutamic acid, which is acidic and polar, with lysine, which is basic and polar, at codon 436 of the SPTLC1 protein (p.Glu436Lys). This variant is not present in population databases (gnomAD no frequency). This variant has not been reported in the literature in individuals affected with SPTLC1-related conditions. Advanced modeling of protein sequence and biophysical properties (such as structural, functional, and spatial information, amino acid conservation, physicochemical variation, residue mobility, and thermodynamic stability) has been performed at Invitae for this missense variant, however the output from this modeling did not meet the statistical confidence thresholds required to predict the impact of this variant on SPTLC1 protein function. In summary, the available evidence is currently insufficient to determine the role of this variant in disease. Therefore, it has been classified as a Variant of Uncertain Significance.

NM_006415.4(SPTLC1):c.1306G>A (p.Glu436Lys)

Gene: SPTLC1 (serine palmitoyltransferase long chain base subunit 1; minus strand). Cytogenetic location: 9q22.31.
Variant type: single nucleotide variant.
Coding change: c.1306G>A on transcript NM_006415.4 (MANE Select); coding-DNA position 1306, G replaced by A.
Protein change: p.Glu436Lys; replaces glutamic acid 436 with lysine.
Molecular consequence: missense variant.
Genome position (GRCh38, 1-based): chr9:92,034,832, C>T on the plus strand (G>A on the coding strand, the complement: SPTLC1 is on the minus strand). VCF-style: chr9-92034832-C-T. GRCh37 (hg19) VCF-style: chr9-94797114-C-T.
Other names: c.1306G>A, p.Glu436Lys (NM_001281303.2); c.940G>A, p.Glu314Lys (NM_001368272.1); c.841G>A, p.Glu281Lys (NM_001368273.1); short protein forms E314K, E281K, E436K.
Identifiers: ClinVar variation 3685454 (VCV003685454.2).
Genomic context (GRCh38, chr9:92,034,832, plus strand): 5'-GGGGAAAAAAATAAGGTCATATTTTAACGTCAACTGACCTGGGAGGAGGGAGACACTTCT[C>T]TTCTTTCTCCAAGTAGCGCGCCTGAGTTAATGCAATACTTCTGTTCATGCACTGTAGGAA-3'
Protein context (NP_006406.1, residues 426-446): LTQARYLEKE[Glu436Lys]KCLPPPSIRV